The following is an entry in ClinVar:

NM_004667.6(HERC2):c.7480+4C>G

Gene: HERC2 (HECT and RLD domain containing E3 ubiquitin protein ligase 2; minus strand). Cytogenetic location: 15q13.1.
Variant type: single nucleotide variant.
Coding change: c.7480+4C>G on transcript NM_004667.6 (MANE Select); 4 bases into the intron after coding-DNA position 7480, C replaced by G.
Molecular consequence: intron variant.
Genome position (GRCh38, 1-based): chr15:28,202,343, G>C on the plus strand (C>G on the coding strand, the complement: HERC2 is on the minus strand). VCF-style: chr15-28202343-G-C. GRCh37 (hg19) VCF-style: chr15-28447489-G-C.
Identifiers: ClinVar variation 1343015 (VCV001343015.6), dbSNP rs202042236, ClinGen allele CA7441806.

ClinVar aggregate classification (germline): Uncertain significance (1 of 4 stars; one submission).

Allele frequency attached by ClinVar (database versions not stated): gnomAD 0.00035 and 0.00036; ExAC 0.00023; gnomAD exomes 0.00020; TOPMed 0.00029; ESP Exome Variant Server 0.00062.
gnomAD v4.1: 943 of 1,613,650 alleles (0.058%); highest among the groups gnomAD compares: Non-Finnish European, 0.073%; no homozygotes.

Submission:

GeneDx
Classification: Uncertain significance. Last evaluated: 2026-09-30. Review status: criteria provided, single submitter. Criteria: GeneDx Variant Classification Process June 2021. Collection method: clinical testing. Allele origin: germline.
Comment: In silico analysis supports a deleterious effect on splicing; Has not been previously published as pathogenic or benign to our knowledge